The following is an entry in ClinVar:

NM_020442.6(VARS2):c.2479C>G (p.Pro827Ala)

Gene: VARS2 (valyl-tRNA synthetase 2, mitochondrial; plus strand). Cytogenetic location: 6p21.33.
Variant type: single nucleotide variant.
Coding change: c.2479C>G on transcript NM_020442.6 (MANE Select); coding-DNA position 2479, C replaced by G.
Protein change: p.Pro827Ala; replaces proline 827 with alanine.
Molecular consequence: missense variant.
Genome position (GRCh38, 1-based): chr6:30,924,366, C>G. VCF-style: chr6-30924366-C-G. GRCh37 (hg19) VCF-style: chr6-30892143-C-G.
Other names: c.2059C>G, p.Pro687Ala (NM_001167733.3); c.2569C>G, p.Pro857Ala (NM_001167734.2); short protein forms P827A, P857A, P687A.
Identifiers: ClinVar variation 252551 (VCV000252551.4), dbSNP rs750373581, ClinGen allele CA3706285.

ClinVar aggregate classification (germline): Uncertain significance. Review status: criteria provided, multiple submitters, no conflicts (2 of 4 stars). 3 submissions from 3 submitters: Uncertain significance (3). Last evaluated 2025-12-02.

Allele frequency attached by ClinVar (database versions not stated): TOPMed 0.00001; gnomAD 0.00002; gnomAD exomes 0.00002 and 0.00005; ExAC 0.00006.
gnomAD v4.1: 39 of 1,611,892 alleles (0.0024%); highest among the groups gnomAD compares: Middle Eastern, 0.019%; 1 homozygote.

Submissions (3):

Labcorp Genetics (formerly Invitae), Labcorp
Classification: Uncertain significance. Last evaluated: 2025-12-02. Review status: criteria provided, single submitter. Criteria: Invitae Variant Classification Sherloc (09022015). Collection method: clinical testing. Allele origin: germline.
Comment: This sequence change replaces proline, which is neutral and non-polar, with alanine, which is neutral and non-polar, at codon 857 of the VARS2 protein (p.Pro857Ala). This variant is present in population databases (rs750373581, gnomAD 0.02%), including at least one homozygous and/or hemizygous individual. This variant has not been reported in the literature in individuals affected with VARS2-related conditions. ClinVar contains an entry for this variant (Variation ID: 252551). Invitae Evidence Modeling of protein sequence and biophysical properties (such as structural, functional, and spatial information, amino acid conservation, physicochemical variation, residue mobility, and thermodynamic stability) indicates that this missense variant is not expected to disrupt VARS2 protein function with a negative predictive value of 80%. In summary, the available evidence is currently insufficient to determine the role of this variant in disease. Therefore, it has been classified as a Variant of Uncertain Significance.

Genomic Diagnostic Laboratory, Division of Genomic Diagnostics, Children's Hospital of Philadelphia
Classification: Uncertain significance. Last evaluated: 2015-09-02. Review status: criteria provided, single submitter. Criteria: DGD Variant Analysis Guidelines. Collection method: clinical testing. Allele origin: unknown.

Breakthrough Genomics
Classification: Uncertain significance. Review status: criteria provided, single submitter. Criteria: ACMG Guidelines, 2015. Collection method: not provided. Allele origin: germline. Inheritance: Autosomal recessive inheritance. Affected: yes.